The following is an entry in ClinVar:

NM_000051.4(ATM):c.8418+686G>C

Genes: ATM (ATM serine/threonine kinase; plus strand), C11orf65 (chromosome 11 open reading frame 65; minus strand). Cytogenetic location: 11q22.3.
Variant type: single nucleotide variant.
Coding change: c.8418+686G>C on transcript NM_000051.4 (MANE Select); 686 bases into the intron after coding-DNA position 8418, G replaced by C.
Molecular consequence: intron variant.
Genome position (GRCh38, 1-based): chr11:108,344,057, G>C. VCF-style: chr11-108344057-G-C. GRCh37 (hg19) VCF-style: chr11-108214784-G-C.
Other names: c.8418+686G>C (NM_001351834.2); c.641-34986C>G (NM_001330368.2); c.695-8765C>G (NM_001351110.2).
Identifiers: ClinVar variation 4914002 (VCV004914002.2).

ClinVar aggregate classification (germline): Likely benign. Review status: criteria provided, multiple submitters, no conflicts (2 of 4 stars). 2 submissions from 2 submitters: Likely benign (2). Last evaluated 2024-12-05.

Conditions:
ATM-related disorder. Also called: ATM-related disorders; ATM-related condition.

gnomAD v4.1: 5 of 152,252 alleles (0.0033%); highest among the groups gnomAD compares: East Asian, 0.096%; no homozygotes.

Submissions (2):

PreventionGenetics, part of Exact Sciences
Classification: Likely benign for ATM-related condition. Last evaluated: 2024-12-05. Review status: criteria provided, single submitter. Criteria: ACMG Guidelines, 2015. Collection method: clinical testing. Allele origin: germline.
Comment: This variant is classified as likely benign based on ACMG/AMP sequence variant interpretation guidelines (Richards et al. 2015 PMID: 25741868, with internal and published modifications).

Blueprint Genetics
Classification: Likely benign. Last evaluated: 2022-06-02. Review status: criteria provided, single submitter. Criteria: ACMG Guidelines, 2015. Collection method: clinical testing. Allele origin: germline.